The following is an entry in ClinVar:

ClinVar aggregate classification (germline): Uncertain significance. Review status: criteria provided, multiple submitters, no conflicts (2 of 4 stars). 2 submissions from 2 submitters: Uncertain significance (2). Last evaluated 2021-04-13.

Conditions:
Hereditary diffuse gastric adenocarcinoma (HDGC). Also called: DIFFUSE GASTRIC AND LOBULAR BREAST CANCER SYNDROME. Identifiers: Orphanet 26106, MedGen C1708349, MONDO:0007648, OMIM 137215.
Hereditary cancer-predisposing syndrome. Also called: Hereditary neoplastic syndrome; Neoplastic Syndromes, Hereditary; Tumor predisposition; Hereditary Cancer Syndrome. Identifiers: Orphanet 140162, MedGen C0027672, MeSH D009386, MONDO:0015356.

Submissions (2):

Ambry Genetics
Classification: Uncertain significance for Hereditary cancer-predisposing syndrome. Last evaluated: 2021-04-13. Review status: criteria provided, single submitter. Criteria: Ambry Variant Classification Scheme 2023. Collection method: clinical testing. Allele origin: germline.
Comment: The p.A298D variant (also known as c.893C>A), located in coding exon 7 of the CDH1 gene, results from a C to A substitution at nucleotide position 893. The alanine at codon 298 is replaced by aspartic acid, an amino acid with dissimilar properties. This amino acid position is not well conserved in available vertebrate species. In addition, this alteration is predicted to be tolerated by in silico analysis. Since supporting evidence is limited at this time, the clinical significance of this alteration remains unclear.

Labcorp Genetics (formerly Invitae), Labcorp
Classification: Uncertain significance for Hereditary diffuse gastric adenocarcinoma. Last evaluated: 2020-10-06. Review status: criteria provided, single submitter. Criteria: Invitae Variant Classification Sherloc (09022015). Collection method: clinical testing. Allele origin: germline.
Comment: This sequence change replaces alanine with aspartic acid at codon 298 of the CDH1 protein (p.Ala298Asp). The alanine residue is moderately conserved and there is a moderate physicochemical difference between alanine and aspartic acid. This variant is not present in population databases (ExAC no frequency). This variant has not been reported in the literature in individuals with CDH1-related conditions. Algorithms developed to predict the effect of missense changes on protein structure and function are either unavailable or do not agree on the potential impact of this missense change (SIFT: "Deleterious"; PolyPhen-2: "Probably Damaging"; Align-GVGD: "Class C0"). In summary, the available evidence is currently insufficient to determine the role of this variant in disease. Therefore, it has been classified as a Variant of Uncertain Significance.

NM_004360.5(CDH1):c.893C>A (p.Ala298Asp)

Gene: CDH1 (cadherin 1; plus strand). Cytogenetic location: 16q22.1.
Variant type: single nucleotide variant.
Coding change: c.893C>A on transcript NM_004360.5 (MANE Select); coding-DNA position 893, C replaced by A.
Protein change: p.Ala298Asp; replaces alanine 298 with aspartic acid.
Molecular consequence: missense variant. On other transcripts: 5 prime UTR variant (2).
Genome position (GRCh38, 1-based): chr16:68,811,744, C>A. VCF-style: chr16-68811744-C-A. GRCh37 (hg19) VCF-style: chr16-68845647-C-A.
Other names: c.893C>A, p.Ala298Asp (NM_001317184.2); c.-723C>A (NM_001317185.2); c.-927C>A (NM_001317186.2); short protein forms A298D.
Identifiers: ClinVar variation 1003746 (VCV001003746.11), dbSNP rs1017050648, ClinGen allele CA396459664.
Genomic context (GRCh38, chr16:68,811,744, plus strand): 5'-GAACCTCTGTGATGGAGGTCACAGCCACAGACGCGGACGATGATGTGAACACCTACAATG[C>A]CGCCATCGCTTACACCATCCTCAGCCAAGATCCTGAGCTCCCTGACAAAAATATGTTCAC-3'
Protein context (NP_004351.1, residues 288-308): DADDDVNTYN[Ala298Asp]AIAYTILSQD